The following is an entry in ClinVar:

NM_001267550.2(TTN):c.66582A>G (p.Glu22194=)

Genes: TTN (titin; minus strand), TTN-AS1 (TTN antisense RNA 1; plus strand). Cytogenetic location: 2q31.2.
Variant type: single nucleotide variant.
Coding change: c.66582A>G on transcript NM_001267550.2 (MANE Select); coding-DNA position 66582, A replaced by G.
Protein change: p.Glu22194=; no amino-acid change (glutamic acid 22194 retained).
Molecular consequence: synonymous variant.
Genome position (GRCh38, 1-based): chr2:178,581,686, T>C on the plus strand (A>G on the coding strand, the complement: TTN is on the minus strand). VCF-style: chr2-178581686-T-C. GRCh37 (hg19) VCF-style: chr2-179446413-T-C.
Other names: c.61659A>G, p.Glu20553= (NM_001256850.1); c.39387A>G, p.Glu13129= (NM_003319.4); c.58878A>G, p.Glu19626= (NM_133378.4); c.39762A>G, p.Glu13254= (NM_133432.3); c.39963A>G, p.Glu13321= (NM_133437.4).
Identifiers: ClinVar variation 1736302 (VCV001736302.3), dbSNP rs760003383, ClinGen allele CA1991473.

ClinVar aggregate classification (germline): Uncertain significance. Review status: criteria provided, multiple submitters, no conflicts (2 of 4 stars). 2 submissions from 2 submitters: Uncertain significance (2). Last evaluated 2022-11-10.

Conditions:
TTN-related disorder. Also called: TTN-related condition; TTN-related disease; TTN-related disorders.
Cardiovascular phenotype. Identifiers: MedGen CN230736.

Allele frequency attached by ClinVar (database versions not stated): gnomAD exomes below 0.00001; ExAC 0.00002; TOPMed 0.00006; gnomAD 0.00007.
gnomAD v4.1: 16 of 1,612,382 alleles (0.00099%); highest among the groups gnomAD compares: African/African-American, 0.019%; no homozygotes.

Submissions (2):

PreventionGenetics, part of Exact Sciences
Classification: Uncertain significance for TTN-related condition. Last evaluated: 2022-11-10. Review status: criteria provided, single submitter. Criteria: ACMG Guidelines, 2015. Collection method: clinical testing. Allele origin: germline.
Comment: The TTN c.66582A>G variant is not predicted to result in an amino acid change (p.=). This variant is predicted to alter splicing based on available splicing prediction programs (Alamut Visual Plus v1.6.1). However, the use of computer prediction programs is not equivalent to functional evidence. To our knowledge, this variant has not been reported in the literature. This variant is reported in 0.037% of alleles in individuals of African descent in gnomAD. At this time, the clinical significance of this variant is uncertain due to the absence of conclusive functional and genetic evidence.

Ambry Genetics
Classification: Uncertain significance for Cardiovascular phenotype. Last evaluated: 2021-07-08. Review status: criteria provided, single submitter. Criteria: Ambry Variant Classification Scheme 2023. Collection method: clinical testing. Allele origin: germline.
Comment: The c.39387A>G variant (also known as p.E13129E), located in coding exon 143 of the TTN gene, results from an A to G substitution at nucleotide position 39387. This nucleotide substitution does not change the amino acid at codon 13129. This nucleotide position is not well conserved in available vertebrate species. In silico splice site analysis for this alteration is inconclusive. Since supporting evidence is limited at this time, the clinical significance of this alteration remains unclear.